The following is an entry in ClinVar:

ClinVar aggregate classification (germline): Uncertain significance (1 of 4 stars; one submission).

Conditions:
Danon disease. Also called: Glycogen Storage Disease Type IIb; ANTOPOL DISEASE; PSEUDOGLYCOGENOSIS II; GSD IIb; LYSOSOMAL GLYCOGEN STORAGE DISEASE WITHOUT ACID MALTASE DEFICIENCY. Identifiers: Orphanet 34587, MedGen C0878677, MONDO:0010281, OMIM 300257.

Allele frequency attached by ClinVar (database versions not stated): TOPMed below 0.00001.

Submission:

Labcorp Genetics (formerly Invitae), Labcorp
Classification: Uncertain significance for Danon disease. Last evaluated: 2020-01-25. Review status: criteria provided, single submitter. Criteria: Invitae Variant Classification Sherloc (09022015). Collection method: clinical testing. Allele origin: germline.
Comment: This variant has not been reported in the literature in individuals with LAMP2-related conditions. This sequence change replaces phenylalanine with leucine at codon 96 of the LAMP2 protein (p.Phe96Leu). The phenylalanine residue is weakly conserved and there is a small physicochemical difference between phenylalanine and leucine. This variant is not present in population databases (ExAC no frequency). Algorithms developed to predict the effect of missense changes on protein structure and function output the following: SIFT: "Tolerated"; PolyPhen-2: "Benign"; Align-GVGD: "Class C0". The leucine amino acid residue is found in multiple mammalian species, suggesting that this missense change does not adversely affect protein function. These predictions have not been confirmed by published functional studies and their clinical significance is uncertain. In summary, the available evidence is currently insufficient to determine the role of this variant in disease. Therefore, it has been classified as a Variant of Uncertain Significance.

NM_002294.3(LAMP2):c.286T>C (p.Phe96Leu)

Gene: LAMP2 (lysosome associated membrane protein 2; minus strand). Cytogenetic location: Xq24.
Variant type: single nucleotide variant.
Coding change: c.286T>C on transcript NM_002294.3 (MANE Select); coding-DNA position 286, T replaced by C.
Protein change: p.Phe96Leu; replaces phenylalanine 96 with leucine.
Molecular consequence: missense variant.
Genome position (GRCh38, 1-based): chrX:120,455,468, A>G on the plus strand (T>C on the coding strand, the complement: LAMP2 is on the minus strand). VCF-style: chrX-120455468-A-G. GRCh37 (hg19) VCF-style: chrX-119589323-A-G.
Other names: c.286T>C, p.Phe96Leu (NM_001122606.1, NM_013995.2); short protein forms F96L.
Identifiers: ClinVar variation 966984 (VCV000966984.9), dbSNP rs1421127800, ClinGen allele CA414403211.